The following is an entry in ClinVar:

NM_014679.5(CEP57):c.433A>G (p.Lys145Glu)

Gene: CEP57 (centrosomal protein 57; plus strand). Cytogenetic location: 11q21.
Variant type: single nucleotide variant.
Coding change: c.433A>G on transcript NM_014679.5 (MANE Select); coding-DNA position 433, A replaced by G.
Protein change: p.Lys145Glu; replaces lysine 145 with glutamic acid.
Molecular consequence: missense variant.
Genome position (GRCh38, 1-based): chr11:95,813,518, A>G. VCF-style: chr11-95813518-A-G. GRCh37 (hg19) VCF-style: chr11-95546682-A-G.
Other names: c.352A>G, p.Lys118Glu (NM_001440877.1, NM_001440878.1, NM_001363604.2 and 3 more transcripts); c.433A>G, p.Lys145Glu (NM_001440879.1, NM_001440882.1, NM_001243777.2 and 4 more transcripts); c.172A>G, p.Lys58Glu (NM_001440880.1); c.253A>G, p.Lys85Glu (NM_001440881.1, NM_001440873.1); c.406A>G, p.Lys136Glu (NM_001243776.2); short protein forms K118E, K136E, K145E, K85E, K58E.
Identifiers: ClinVar variation 4842322 (VCV004842322.1).

ClinVar aggregate classification (germline): Uncertain significance (1 of 4 stars; one submission).

Conditions:
Inborn genetic diseases. Identifiers: MedGen C0950123, MeSH D030342.

Submission:

Ambry Genetics
Classification: Uncertain significance for Inborn genetic diseases. Last evaluated: 2026-01-14. Review status: criteria provided, single submitter. Criteria: Ambry Variant Classification Scheme 2023. Collection method: clinical testing. Allele origin: germline.
Comment: The p.K145E variant (also known as c.433A>G), located in coding exon 4 of the CEP57 gene, results from an A to G substitution at nucleotide position 433. The lysine at codon 145 is replaced by glutamic acid, an amino acid with similar properties. This amino acid position is conserved. In addition, this alteration is predicted to be deleterious by in silico analysis. Based on the available evidence, the clinical significance of this variant remains unclear.